The following is an entry in ClinVar:

NM_019098.5(CNGB3):c.2410A>T (p.Lys804Ter)

Gene: CNGB3 (cyclic nucleotide gated channel subunit beta 3; minus strand). Cytogenetic location: 8q21.3.
Variant type: single nucleotide variant.
Coding change: c.2410A>T on transcript NM_019098.5 (MANE Select); coding-DNA position 2410, A replaced by T.
Protein change: p.Lys804Ter; replaces lysine 804 with a stop codon.
Molecular consequence: nonsense.
Genome position (GRCh38, 1-based): chr8:86,575,824, T>A on the plus strand (A>T on the coding strand, the complement: CNGB3 is on the minus strand). VCF-style: chr8-86575824-T-A. GRCh37 (hg19) VCF-style: chr8-87588052-T-A.
Other names: short protein forms K804*.
Identifiers: ClinVar variation 523799 (VCV000523799.16), dbSNP rs151039691, ClinGen allele CA4799730.

ClinVar aggregate classification (germline): Conflicting classifications of pathogenicity. Review status: criteria provided, conflicting classifications (1 of 4 stars). 6 submissions from 6 submitters: Uncertain significance (4); Likely benign (1). 1 of the submissions does not count toward it. Last evaluated 2026-01-24.

Conditions:
Retinal dystrophy. Also called: Inherited retinal dystrophy. Identifiers: Orphanet 71862, MedGen C0854723, MeSH D058499, MONDO:0019118, HP:0000556.
Achromatopsia. Also called: Rod monochromatism. Identifiers: Orphanet 49382, MedGen C0152200, MONDO:0018852, HP:0011516.
Achromatopsia 3 (ACHM3). Also called: ACHROMATOPSIA WITH MYOPIA; TOTAL COLORBLINDNESS WITH MYOPIA; ROD MONOCHROMACY 1; ROD MONOCHROMATISM 1; PINGELAPESE BLINDNESS. Identifiers: Orphanet 49382, MedGen C1849792, MONDO:0009875, OMIM 262300.

Allele frequency attached by ClinVar (database versions not stated): gnomAD exomes 0.00002 and 0.00006; ExAC 0.00007; gnomAD 0.00015 and 0.00019; TOPMed 0.00019; ESP Exome Variant Server 0.00023.
gnomAD v4.1: 69 of 1,613,848 alleles (0.0043%); highest among the groups gnomAD compares: African/African-American, 0.051%; no homozygotes.

Submissions (6):

Labcorp Genetics (formerly Invitae), Labcorp
Classification: Likely benign. Last evaluated: 2026-01-24. Review status: criteria provided, single submitter. Criteria: Invitae Variant Classification Sherloc (09022015). Collection method: clinical testing. Allele origin: germline.

Myriad Genetics, Inc.
Classification: Uncertain significance for Achromatopsia 3. Last evaluated: 2025-11-20. Review status: criteria provided, single submitter. Criteria: Myriad Autosomal Dominant, Autosomal Recessive and X-Linked Classification Criteria (2023). Collection method: clinical testing. Allele origin: unknown.
Comment: NM_019098.4(CNGB3):c.2410A>T(K804*) is a nonsense variant classified as a variant of uncertain significance in the context of achromatopsia, CNGB3-related. K804* has been observed in cases with relevant disease (PMID: 36259723, 29343940, 38540785). Relevant functional assessments of this variant are not available in the literature. K804* has been observed in referenced population frequency databases. In summary, there is insufficient evidence to classify NM_019098.4(CNGB3):c.2410A>T(K804*) as pathogenic or benign. Please note: this variant was assessed in the context of healthy population screening.

Blueprint Genetics
Classification: Uncertain significance. Last evaluated: 2024-08-09. Review status: criteria provided, single submitter. Criteria: ACMG Guidelines, 2015. Collection method: clinical testing. Allele origin: germline.

Institute of Human Genetics, Univ. Regensburg, Univ. Regensburg
Classification: Uncertain significance for Retinal dystrophy. Last evaluated: 2021-01-01. Review status: criteria provided, single submitter. Criteria: ACMG Guidelines, 2015. Collection method: clinical testing. Allele origin: germline. Affected: yes.

GeneDx
Classification: Uncertain significance. Last evaluated: 2018-04-19. Review status: criteria provided, single submitter. Criteria: GeneDx Variant Classification (06012015). Collection method: clinical testing. Allele origin: germline. Affected: yes.
Comment: The K804X variant in the CNGB3 gene has not been reported previously as a pathogenic variant nor as a benign variant, to our knowledge. This variant is predicted to cause loss of normal protein function through protein truncation, as the last 6 amino acids are lost. However, loss-of-function variants have not been reported downstream of this position in the protein (Stenson et al., 2014). The K804X variant is observed in 21/276,808 global alleles in large population cohorts (Lek et al., 2016). We interpret K804X as a variant of uncertain significance.

Natera, Inc.
Classification: Uncertain significance for Achromatopsia. Last evaluated: 2020-09-16. Review status: no assertion criteria provided. Collection method: clinical testing. Allele origin: germline. Not counted in ClinVar's aggregate classification.

Literature cited by the submitters: PubMed 29343940 (cited by Myriad Genetics, Inc.); PubMed 36259723 (cited by Myriad Genetics, Inc. and Institute of Human Genetics, Univ. Regensburg, Univ. Regensburg); PubMed 38540785 (cited by Myriad Genetics, Inc.).